The following is an entry in ClinVar:

ClinVar aggregate classification (germline): Pathogenic (1 of 4 stars; one submission).

Conditions:
Short-rib thoracic dysplasia 10 with or without polydactyly (SRTD10). Identifiers: Orphanet 474, MedGen C3810175, MONDO:0014284, OMIM 615630.
Retinitis pigmentosa 71 (RP71). Identifiers: Orphanet 791, MedGen C4225342, MONDO:0014618, OMIM 616394.

Allele frequency attached by ClinVar (database versions not stated): gnomAD exomes below 0.00001 and 0.00001; TOPMed below 0.00001; ExAC 0.00001.
gnomAD v4.1: 2 of 1,614,210 alleles (0.00012%); highest among the groups gnomAD compares: Non-Finnish European, 0.00017%; no homozygotes.

Submission:

Labcorp Genetics (formerly Invitae), Labcorp
Classification: Pathogenic for Retinitis pigmentosa 71; Short-rib thoracic dysplasia 10 with or without polydactyly. Last evaluated: 2022-06-13. Review status: criteria provided, single submitter. Criteria: Invitae Variant Classification Sherloc (09022015). Collection method: clinical testing. Allele origin: germline.
Comment: For these reasons, this variant has been classified as Pathogenic. ClinVar contains an entry for this variant (Variation ID: 1074967). This variant has not been reported in the literature in individuals affected with IFT172-related conditions. This variant is present in population databases (rs778898472, gnomAD 0.002%). This sequence change creates a premature translational stop signal (p.Trp1315*) in the IFT172 gene. It is expected to result in an absent or disrupted protein product. Loss-of-function variants in IFT172 are known to be pathogenic (PMID: 24140113).

Literature cited by the submitters: PubMed 24140113.

NM_015662.3(IFT172):c.3944G>A (p.Trp1315Ter)

Genes: IFT172 (intraflagellar transport 172; minus strand), LOC126806173 (BRD4-independent group 4 enhancer GRCh37_chr2:27676057-27677256; plus strand). Cytogenetic location: 2p23.3.
Variant type: single nucleotide variant.
Coding change: c.3944G>A on transcript NM_015662.3 (MANE Select); coding-DNA position 3944, G replaced by A.
Protein change: p.Trp1315Ter; replaces tryptophan 1315 with a stop codon.
Molecular consequence: nonsense.
Genome position (GRCh38, 1-based): chr2:27,453,391, C>T on the plus strand (G>A on the coding strand, the complement: IFT172 is on the minus strand). VCF-style: chr2-27453391-C-T. GRCh37 (hg19) VCF-style: chr2-27676258-C-T.
Other names: short protein forms W1315*.
Identifiers: ClinVar variation 1074967 (VCV001074967.7), dbSNP rs778898472, ClinGen allele CA1579814.
Genomic context (GRCh38, chr2:27,453,391, plus strand): 5'-TGTGAATAGAGGCCTAGGGAGAAGGAGGGCCAGAAAGGGCCTGCTGTCCTCACCTTCATC[C>T]AGCACTTCTCCGCCAGGCCGCTGTTTCCAGAGTCTCGCACTTTGAGGTAGCAGTCCACGG-3'